The following is an entry in ClinVar:

NM_001572.5(IRF7):c.170C>G (p.Ala57Gly)

Gene: IRF7 (interferon regulatory factor 7; minus strand). Cytogenetic location: 11p15.5.
Variant type: single nucleotide variant.
Coding change: c.170C>G on transcript NM_001572.5 (MANE Select); coding-DNA position 170, C replaced by G.
Protein change: p.Ala57Gly; replaces alanine 57 with glycine.
Molecular consequence: missense variant.
Genome position (GRCh38, 1-based): chr11:615,110, G>C on the plus strand (C>G on the coding strand, the complement: IRF7 is on the minus strand). VCF-style: chr11-615110-G-C. GRCh37 (hg19) VCF-style: chr11-615110-G-C.
Other names: c.170C>G, p.Ala57Gly (NM_004029.4); c.209C>G, p.Ala70Gly (NM_004031.4); short protein forms A57G, A70G.
Identifiers: ClinVar variation 2128556 (VCV002128556.4), dbSNP rs1320063877, ClinGen allele CA378983566.

ClinVar aggregate classification (germline): Uncertain significance (1 of 4 stars; one submission).

Conditions:
Immunodeficiency 39 (IMD39). Identifiers: Orphanet 574918, MedGen C4225358, MONDO:0014597, OMIM 616345.

Submission:

Labcorp Genetics (formerly Invitae), Labcorp
Classification: Uncertain significance for Immunodeficiency 39. Last evaluated: 2024-02-24. Review status: criteria provided, single submitter. Criteria: Invitae Variant Classification Sherloc (09022015). Collection method: clinical testing. Allele origin: germline.
Comment: This sequence change replaces alanine, which is neutral and non-polar, with glycine, which is neutral and non-polar, at codon 70 of the IRF7 protein (p.Ala70Gly). This variant is not present in population databases (gnomAD no frequency). This variant has not been reported in the literature in individuals affected with IRF7-related conditions. ClinVar contains an entry for this variant (Variation ID: 2128556). Advanced modeling of protein sequence and biophysical properties (such as structural, functional, and spatial information, amino acid conservation, physicochemical variation, residue mobility, and thermodynamic stability) performed at Invitae indicates that this missense variant is not expected to disrupt IRF7 protein function with a negative predictive value of 80%. In summary, the available evidence is currently insufficient to determine the role of this variant in disease. Therefore, it has been classified as a Variant of Uncertain Significance.